The following is an entry in ClinVar:

NM_014795.4(ZEB2):c.777T>A (p.His259Gln)

Gene: ZEB2 (zinc finger E-box binding homeobox 2; minus strand). Cytogenetic location: 2q22.3.
Variant type: single nucleotide variant.
Coding change: c.777T>A on transcript NM_014795.4 (MANE Select); coding-DNA position 777, T replaced by A.
Protein change: p.His259Gln; replaces histidine 259 with glutamine.
Molecular consequence: missense variant.
Genome position (GRCh38, 1-based): chr2:144,403,946, A>T on the plus strand (T>A on the coding strand, the complement: ZEB2 is on the minus strand). VCF-style: chr2-144403946-A-T. GRCh37 (hg19) VCF-style: chr2-145161513-A-T.
Other names: c.705T>A, p.His235Gln (NM_001171653.2); short protein forms H259Q, H235Q.
Identifiers: ClinVar variation 3781170 (VCV003781170.1).
Genomic context (GRCh38, chr2:144,403,946, plus strand): 5'-GAAAGAAATCACTTAAAACCATCCCCCCACCTGATCTGTCCCTGGCTTGTGTGTCACCAT[A>T]TGCCGCTCGAGCTGGGTGCGGTAGGCAAACGTGTAGCTACAGAGAGGGCAGGAAAAGTTC-3'
Protein context (NP_055610.1, residues 249-269): TFAYRTQLER[His259Gln]MVTHKPGTDQ

ClinVar aggregate classification (germline): Uncertain significance (1 of 4 stars; one submission).

Submission:

GeneDx
Classification: Uncertain significance. Last evaluated: 2024-10-16. Review status: criteria provided, single submitter. Criteria: GeneDx Variant Classification Process June 2021. Collection method: clinical testing. Allele origin: germline. Affected: yes.
Comment: Not observed at significant frequency in large population cohorts (gnomAD); In silico analysis supports that this missense variant has a deleterious effect on protein structure/function; Has not been previously published as pathogenic or benign to our knowledge; This variant is associated with the following publications: (PMID: 16053902)